The following is an entry in ClinVar:

ClinVar aggregate classification (germline): Uncertain significance (1 of 4 stars; one submission).

Conditions:
Inborn genetic diseases. Identifiers: MedGen C0950123, MeSH D030342.

Submission:

Ambry Genetics
Classification: Uncertain significance for Inborn genetic diseases. Last evaluated: 2020-01-14. Review status: criteria provided, single submitter. Criteria: Ambry Variant Classification Scheme 2023. Collection method: clinical testing. Allele origin: germline.
Comment: The alteration results in an amino acid change:_x000D_ _x000D_ The c.80G>C (p.S27T) alteration is located in exon 2 (coding exon 1) of the MRAS gene. This alteration results from a G to C substitution at nucleotide position 80, causing the serine (S) at amino acid position 27 to be replaced by a threonine (T). The alteration is not observed in healthy cohorts:_x000D_ _x000D_ Based on data from the Genome Aggregation Database (gnomAD), the MRAS c.80G>C alteration was not observed, with coverage at this site. The altered amino acid is conserved throughout evolution:_x000D_ _x000D_ The p.S27 amino acid is conserved in available vertebrate species. The amino acid is located in a functionally important protein domain:_x000D_ _x000D_ The p.S27 amino acid is located in the Walker A GTP-binding P-loop motif and is highly conserved in MRAS as well as other classical RAS proteins. This loop binds the &alpha; and &beta; phosphates of the nucleotide (Higgins, 2017). However, structural analysis performed at Ambry Genetics was inconclusive as evidence does not suggest the p.S27 amino acid directly interacts with the ligand nor is it destabilizing. In silico prediction is conflicting:_x000D_ _x000D_ The p.S27T alteration is predicted to be possibly damaging by Polyphen but tolerated by SIFT in silico analyses. Based on insufficient or conflicting evidence, the clinical significance of this alteration remains unclear.

Literature cited by the submitters: PubMed 28289718.

NM_001085049.3(MRAS):c.80G>C (p.Ser27Thr)

Gene: MRAS (muscle RAS oncogene homolog; plus strand). Cytogenetic location: 3q22.3.
Variant type: single nucleotide variant.
Coding change: c.80G>C on transcript NM_001085049.3 (MANE Select); coding-DNA position 80, G replaced by C.
Protein change: p.Ser27Thr; replaces serine 27 with threonine.
Molecular consequence: missense variant. On other transcripts: intron variant (3).
Genome position (GRCh38, 1-based): chr3:138,372,963, G>C. VCF-style: chr3-138372963-G-C. GRCh37 (hg19) VCF-style: chr3-138091805-G-C.
Other names: c.80G>C, p.Ser27Thr (NM_001252090.2, NM_012219.4); c.-35-24361G>C (NM_001252091.1); c.-36+24196G>C (NM_001252093.2); c.-36+23931G>C (NM_001252092.2); short protein forms S27T.
Identifiers: ClinVar variation 986261 (VCV000986261.4), dbSNP rs2054706404, ClinGen allele CA354671741.